The following is an entry in ClinVar:

NM_001111067.4(ACVR1):c.67+3A>T

Gene: ACVR1 (activin A receptor type 1; minus strand). Cytogenetic location: 2q24.1.
Variant type: single nucleotide variant.
Coding change: c.67+3A>T on transcript NM_001111067.4 (MANE Select); 3 bases into the intron after coding-DNA position 67, A replaced by T.
Molecular consequence: intron variant.
Genome position (GRCh38, 1-based): chr2:157,799,424, T>A on the plus strand (A>T on the coding strand, the complement: ACVR1 is on the minus strand). VCF-style: chr2-157799424-T-A. GRCh37 (hg19) VCF-style: chr2-158655936-T-A.
Other names: c.67+3A>T (NM_001347665.1, NM_001347664.1, NM_001347666.1 and 3 more transcripts).
Identifiers: ClinVar variation 2133538 (VCV002133538.4), dbSNP rs1370626766, ClinGen allele CA1301110657.
Genomic context (GRCh38, chr2:157,799,424, plus strand): 5'-AGTAAGCCAAAAAAAAAAATCACAGTATACTTATCTTAACCCAAAAAGATGTGAGTCACT[T>A]ACCTTCCATACTAGGGGAGGGGAGAGCAATCATGATAAGCACAGGAAGAATCATCACTCC-3'

ClinVar aggregate classification (germline): Uncertain significance (1 of 4 stars; one submission).

Submission:

Labcorp Genetics (formerly Invitae), Labcorp
Classification: Uncertain significance. Last evaluated: 2022-05-05. Review status: criteria provided, single submitter. Criteria: Invitae Variant Classification Sherloc (09022015). Collection method: clinical testing. Allele origin: germline.
Comment: This variant is not present in population databases (gnomAD no frequency). This variant has not been reported in the literature in individuals affected with ACVR1-related conditions. Variants that disrupt the consensus splice site are a relatively common cause of aberrant splicing (PMID: 17576681, 9536098). Algorithms developed to predict the effect of sequence changes on RNA splicing suggest that this variant is not likely to affect RNA splicing. In summary, the available evidence is currently insufficient to determine the role of this variant in disease. Therefore, it has been classified as a Variant of Uncertain Significance. This sequence change falls in intron 3 of the ACVR1 gene. It does not directly change the encoded amino acid sequence of the ACVR1 protein. It affects a nucleotide within the consensus splice site.

Literature cited by the submitters: PubMed 17576681; PubMed 9536098.